The following is an entry in ClinVar:

NM_004341.5(CAD):c.637+3G>A

Gene: CAD (carbamoyl-phosphate synthetase 2, aspartate transcarbamylase, and dihydroorotase; plus strand). Cytogenetic location: 2p23.3.
Variant type: single nucleotide variant.
Coding change: c.637+3G>A on transcript NM_004341.5 (MANE Select); 3 bases into the intron after coding-DNA position 637, G replaced by A.
Molecular consequence: intron variant.
Genome position (GRCh38, 1-based): chr2:27,222,663, G>A. VCF-style: chr2-27222663-G-A. GRCh37 (hg19) VCF-style: chr2-27445531-G-A.
Other names: c.637+3G>A (NM_001306079.2).
Identifiers: ClinVar variation 2187834 (VCV002187834.1), dbSNP rs764419730, ClinGen allele CA1572472.
Genomic context (GRCh38, chr2:27,222,663, plus strand): 5'-TGCCAGCGTGGGGCTGAGGTCACTGTGGTACCCTGGGACCATGCACTAGACAGCCAAGGT[G>A]AGTAGCTGGGGCCTGTTCAGGGCCTCAGACAAGCAGCTTGGGTGGAAGATCTATCCCTTG-3'

ClinVar aggregate classification (germline): Uncertain significance (1 of 4 stars; one submission).

Allele frequency attached by ClinVar (database versions not stated): ExAC 0.00002; gnomAD exomes 0.00002; gnomAD 0.00003; TOPMed 0.00003.
gnomAD v4.1: 29 of 1,612,280 alleles (0.0018%); highest among the groups gnomAD compares: Non-Finnish European, 0.0024%; no homozygotes.

Submission:

Labcorp Genetics (formerly Invitae), Labcorp
Classification: Uncertain significance. Last evaluated: 2022-04-15. Review status: criteria provided, single submitter. Criteria: Invitae Variant Classification Sherloc (09022015). Collection method: clinical testing. Allele origin: germline.
Comment: This sequence change falls in intron 5 of the CAD gene. It does not directly change the encoded amino acid sequence of the CAD protein. It affects a nucleotide within the consensus splice site. This variant is present in population databases (rs764419730, gnomAD 0.004%). This variant has not been reported in the literature in individuals affected with CAD-related conditions. Variants that disrupt the consensus splice site are a relatively common cause of aberrant splicing (PMID: 17576681, 9536098). Algorithms developed to predict the effect of sequence changes on RNA splicing suggest that this variant is not likely to affect RNA splicing. In summary, the available evidence is currently insufficient to determine the role of this variant in disease. Therefore, it has been classified as a Variant of Uncertain Significance.

Literature cited by the submitters: PubMed 17576681; PubMed 9536098.